The following is an entry in ClinVar:

NM_001393937.1(MICAL2):c.4838G>A (p.Arg1613Gln)

Genes: MICAL2 (microtubule associated monooxygenase, calponin and LIM domain containing 2; plus strand), MICALCL (MICAL C-terminal like; plus strand). Cytogenetic location: 11p15.3.
Variant type: single nucleotide variant.
Coding change: c.4838G>A on transcript NM_001393937.1; coding-DNA position 4838, G replaced by A.
Protein change: p.Arg1613Gln; replaces arginine 1613 with glutamine.
Molecular consequence: missense variant.
Genome position (GRCh38, 1-based): chr11:12,294,483, G>A. VCF-style: chr11-12294483-G-A. GRCh37 (hg19) VCF-style: chr11-12316030-G-A.
Other names: short protein forms R1613Q.
Identifiers: ClinVar variation 2641613 (VCV002641613.22), dbSNP rs139581842, ClinGen allele CA5890519.

ClinVar aggregate classification (germline): Likely benign (1 of 4 stars; one submission).

Allele frequency attached by ClinVar (database versions not stated): 1000 Genomes Project 30x 0.00219; TOPMed 0.00493; gnomAD 0.00503; ESP Exome Variant Server 0.00668; ExAC 0.00558; 1000 Genomes Project 0.00260.
gnomAD v4.1: 11,205 of 1,614,082 alleles (0.69%); highest among the groups gnomAD compares: Non-Finnish European, 0.81%; 53 homozygotes.

Submission:

CeGaT Center for Human Genetics Tuebingen
Classification: Likely benign. Last evaluated: 2023-02-01. Review status: criteria provided, single submitter. Criteria: CeGaT Center For Human Genetics Tuebingen Variant Classification Criteria Version 2. Collection method: clinical testing. Allele origin: germline. Affected: yes. Observed: 1 variant allele.
Comment: MICAL2: BP4, BS2; MICALCL: BP4, BS2